The following is an entry in ClinVar:

ClinVar aggregate classification (germline): Likely pathogenic (1 of 4 stars; one submission).

Conditions:
Acyl-CoA oxidase deficiency. Also called: Peroxisomal acyl-CoA oxidase deficiency; STRAIGHT-CHAIN ACYL-CoA OXIDASE DEFICIENCY; Pseudoneonatal adrenoleukodystrophy. Identifiers: Orphanet 2971, MedGen C1849678, MONDO:0009919, OMIM 264470. Disease mechanism: loss of function.

Submission:

Natera, Inc.
Classification: Likely pathogenic for Peroxisomal acyl-CoA oxidase deficiency. Last evaluated: 2024-09-17. Review status: criteria provided, single submitter. Criteria: Natera Variant Classification Schema (03/2026). Collection method: clinical testing. Allele origin: germline.
Comment: The c.958C>T variant in ACOX1 is a nonsense variant predicted to introduce a stop codon at amino acid 320. This variant is expected to result in nonsense mediated decay, truncation, or a dysfunctional protein product. This variant is rare in the general population with a frequency below the threshold expected for the associated phenotype(s). Given the available evidence, this variant is classified as Likely Pathogenic.

NM_004035.7(ACOX1):c.958C>T (p.Gln320Ter)

Gene: ACOX1 (acyl-CoA oxidase 1; minus strand). Cytogenetic location: 17q25.1.
Variant type: single nucleotide variant.
Coding change: c.958C>T on transcript NM_004035.7 (MANE Select); coding-DNA position 958, C replaced by T.
Protein change: p.Gln320Ter; replaces glutamine 320 with a stop codon.
Molecular consequence: nonsense.
Genome position (GRCh38, 1-based): chr17:75,951,564, G>A on the plus strand (C>T on the coding strand, the complement: ACOX1 is on the minus strand). VCF-style: chr17-75951564-G-A. GRCh37 (hg19) VCF-style: chr17-73947645-G-A.
Other names: c.844C>T, p.Gln282Ter (NM_001185039.2); c.958C>T, p.Gln320Ter (NM_007292.6); short protein forms Q282*, Q320*.
Identifiers: ClinVar variation 4815329 (VCV004815329.1).